The following is an entry in ClinVar:

NM_001378418.1(TCF20):c.4369G>A (p.Gly1457Arg)

Gene: TCF20 (transcription factor 20; minus strand). Cytogenetic location: 22q13.2.
Variant type: single nucleotide variant.
Coding change: c.4369G>A on transcript NM_001378418.1 (MANE Select); coding-DNA position 4369, G replaced by A.
Protein change: p.Gly1457Arg; replaces glycine 1457 with arginine.
Molecular consequence: missense variant.
Genome position (GRCh38, 1-based): chr22:42,210,937, C>T on the plus strand (G>A on the coding strand, the complement: TCF20 is on the minus strand). VCF-style: chr22-42210937-C-T. GRCh37 (hg19) VCF-style: chr22-42606943-C-T.
Other names: c.4369G>A, p.Gly1457Arg (NM_005650.4, NM_181492.3); c.4369G>A (NM_005650.1); short protein forms G1457R.
Identifiers: ClinVar variation 1690508 (VCV001690508.9), dbSNP rs761096672, ClinGen allele CA10266655.

ClinVar aggregate classification (germline): Likely benign. Review status: criteria provided, multiple submitters, no conflicts (2 of 4 stars). 3 submissions from 3 submitters: Likely benign (3). Last evaluated 2024-10-24.

Conditions:
Inborn genetic diseases. Identifiers: MedGen C0950123, MeSH D030342.

Allele frequency attached by ClinVar (database versions not stated): ExAC 0.00002; gnomAD exomes 0.00004 and 0.00002; gnomAD 0.00006; TOPMed 0.00004.
gnomAD v4.1: 67 of 1,613,956 alleles (0.0042%); highest among the groups gnomAD compares: Non-Finnish European, 0.0051%; no homozygotes.

Submissions (3):

Labcorp Genetics (formerly Invitae), Labcorp
Classification: Likely benign. Last evaluated: 2024-10-24. Review status: criteria provided, single submitter. Criteria: Invitae Variant Classification Sherloc (09022015). Collection method: clinical testing. Allele origin: germline.

Ambry Genetics
Classification: Likely benign for Inborn genetic diseases. Last evaluated: 2023-06-27. Review status: criteria provided, single submitter. Criteria: Ambry Variant Classification Scheme 2023. Collection method: clinical testing. Allele origin: germline.

Laboratorio de Genetica e Diagnostico Molecular, Hospital Israelita Albert Einstein
Classification: Likely benign. Last evaluated: 2021-12-07. Review status: criteria provided, single submitter. Criteria: ACMG Guidelines, 2015. Collection method: clinical testing. Allele origin: germline. Affected: yes.
Comment: ACMG classification criteria: BS2, BP4